The following is an entry in ClinVar:

NM_002609.4(PDGFRB):c.2257C>T (p.Pro753Ser)

Gene: PDGFRB (platelet derived growth factor receptor beta; minus strand). Cytogenetic location: 5q32.
Variant type: single nucleotide variant.
Coding change: c.2257C>T on transcript NM_002609.4 (MANE Select); coding-DNA position 2257, C replaced by T.
Protein change: p.Pro753Ser; replaces proline 753 with serine.
Molecular consequence: missense variant.
Genome position (GRCh38, 1-based): chr5:150,121,967, G>A on the plus strand (C>T on the coding strand, the complement: PDGFRB is on the minus strand). VCF-style: chr5-150121967-G-A. GRCh37 (hg19) VCF-style: chr5-149501530-G-A.
Other names: c.2065C>T, p.Pro689Ser (NM_001355016.2); c.1774C>T, p.Pro592Ser (NM_001355017.2); short protein forms P592S, P689S, P753S.
Identifiers: ClinVar variation 4689277 (VCV004689277.1).

ClinVar aggregate classification (germline): Uncertain significance (1 of 4 stars; one submission).

gnomAD v4.1: 9 of 1,612,812 alleles (0.00056%); highest among the groups gnomAD compares: Non-Finnish European, 0.00076%; no homozygotes.

Submission:

Women's Health and Genetics/Laboratory Corporation of America, LabCorp
Classification: Uncertain significance. Last evaluated: 2026-01-19. Review status: criteria provided, single submitter. Criteria: LabCorp Variant Classification Summary - May 2015. Collection method: clinical testing. Allele origin: germline.
Comment: Variant summary: PDGFRB c.2257C>T (p.Pro753Ser) results in a non-conservative amino acid change in the encoded protein sequence. Algorithms developed to predict the effect of missense changes on protein structure and function all suggest that this variant is likely to be disruptive. The variant was absent in 251464 control chromosomes. The available data on variant occurrences in the general population are insufficient to allow any conclusion about variant significance. To our knowledge, no occurrence of c.2257C>T in individuals affected with PDGFRB-related conditions and no experimental evidence demonstrating its impact on protein function have been reported. No submitters have cited clinical-significance assessments for this variant to ClinVar. Based on the evidence outlined above, the variant was classified as uncertain significance.